The following is an entry in ClinVar:

ClinVar aggregate classification (germline): Conflicting classifications of pathogenicity. Review status: criteria provided, conflicting classifications (1 of 4 stars). 4 submissions from 4 submitters: Uncertain significance (1); Likely benign (3). Last evaluated 2026-02-01.

Conditions:
Hereditary breast ovarian cancer syndrome. Also called: Hereditary breast and/or ovarian cancer syndrome; BRCA1- and BRCA2-Associated Hereditary Breast and Ovarian Cancer; Breast and ovarian cancer; Hereditary breast and ovarian cancer; Hereditary breast and ovarian cancer syndrome; Hereditary breast and ovarian cancer syndrome (HBOC). Identifiers: Orphanet 145, MedGen C0677776, MeSH D061325, MONDO:0003582. Disease mechanism: loss of function.
Hereditary cancer-predisposing syndrome. Also called: Hereditary neoplastic syndrome; Tumor predisposition; Hereditary Cancer Syndrome; Neoplastic Syndromes, Hereditary. Identifiers: Orphanet 140162, MedGen C0027672, MeSH D009386, MONDO:0015356.

Allele frequency attached by ClinVar (database versions not stated): gnomAD exomes below 0.00001.
gnomAD v4.1: 1 of 1,561,228 alleles (0.000064%); highest among the groups gnomAD compares: Non-Finnish European, 0.000088%; no homozygotes.

Submissions (4):

Labcorp Genetics (formerly Invitae), Labcorp
Classification: Likely benign for Hereditary breast ovarian cancer syndrome. Last evaluated: 2026-02-01. Review status: criteria provided, single submitter. Criteria: Invitae Variant Classification Sherloc (09022015). Collection method: clinical testing. Allele origin: germline.

Women's Health and Genetics/Laboratory Corporation of America, LabCorp
Classification: Likely benign. Last evaluated: 2025-04-23. Review status: criteria provided, single submitter. Criteria: LabCorp Variant Classification Summary - May 2015. Collection method: clinical testing. Allele origin: germline.
Comment: Variant summary: BRCA2 c.631+8T>C alters a non-conserved nucleotide located at a position not widely known to affect splicing. Consensus agreement among computation tools predict no significant impact on normal splicing. However, these predictions have yet to be confirmed by functional studies. The variant was absent in 248684 control chromosomes (gnomAD). The available data on variant occurrences in the general population are insufficient to allow any conclusion about variant significance. c.631+8T>C has been observed in the literature without strong evidence for or against pathogenicity (Zayas-Villanueva_2019). This report however, does not provide unequivocal conclusions about association of the variant with Hereditary Breast And Ovarian Cancer Syndrome. To our knowledge, no experimental evidence demonstrating an impact on protein function has been reported. The following publication has been ascertained in the context of this evaluation (PMID: 31331294). ClinVar contains an entry for this variant (Variation ID: 495481). Based on the evidence outlined above, the variant was classified as likely benign.

Quest Diagnostics Nichols Institute San Juan Capistrano
Classification: Uncertain significance. Last evaluated: 2022-11-21. Review status: criteria provided, single submitter. Criteria: Quest Diagnostics criteria. Collection method: clinical testing. Allele origin: unknown.
Comment: To the best of our knowledge, the variant has not been reported in the published literature. It also has not been reported in large, multi-ethnic general populations. Analysis of this variant using software algorithms for the prediction of the effect of nucleotide changes on splicing yielded predictions that this variant does not affect BRCA2 mRNA splicing . Based on the available information, we are unable to determine the clinical significance of this variant.

Color Diagnostics, LLC DBA Color Health
Classification: Likely benign for Hereditary cancer-predisposing syndrome. Last evaluated: 2017-08-21. Review status: criteria provided, single submitter. Criteria: ACMG Guidelines, 2015. Collection method: clinical testing. Allele origin: germline.

Literature cited by the submitters: PubMed 31331294 (cited by Women's Health and Genetics/Laboratory Corporation of America, LabCorp).

NM_000059.4(BRCA2):c.631+8T>C

Gene: BRCA2 (BRCA2 DNA repair associated; plus strand). Cytogenetic location: 13q13.1.
Variant type: single nucleotide variant.
Coding change: c.631+8T>C on transcript NM_000059.4 (MANE Select); 8 bases into the intron after coding-DNA position 631, T replaced by C.
Molecular consequence: intron variant.
Genome position (GRCh38, 1-based): chr13:32,326,621, T>C. VCF-style: chr13-32326621-T-C. GRCh37 (hg19) VCF-style: chr13-32900758-T-C.
Identifiers: ClinVar variation 495481 (VCV000495481.17), dbSNP rs1555281111, ClinGen allele CA658683826.
Genomic context (GRCh38, chr13:32,326,621, plus strand): 5'-TTGGTCAAGTTCTTTAGCTACACCACCCACCCTTAGTTCTACTGTGCTCATAGGTAATAA[T>C]AGCAAATGTGTATTTACAAGAAAGAGCAGATGAGGTTGATAATTGTCATCTCTAATACTT-3'